The following is an entry in ClinVar:

NM_014915.3(ANKRD26):c.5087C>T (p.Ala1696Val)

Gene: ANKRD26 (ankyrin repeat domain 26; minus strand). Cytogenetic location: 10p12.1.
Variant type: single nucleotide variant.
Coding change: c.5087C>T on transcript NM_014915.3 (MANE Select); coding-DNA position 5087, C replaced by T.
Protein change: p.Ala1696Val; replaces alanine 1696 with valine.
Molecular consequence: missense variant.
Genome position (GRCh38, 1-based): chr10:27,005,636, G>A on the plus strand (C>T on the coding strand, the complement: ANKRD26 is on the minus strand). VCF-style: chr10-27005636-G-A. GRCh37 (hg19) VCF-style: chr10-27294565-G-A.
Other names: c.5084C>T, p.Ala1695Val (NM_001256053.2); short protein forms A1695V, A1696V.
Identifiers: ClinVar variation 4859495 (VCV004859495.1).

ClinVar aggregate classification (germline): Uncertain significance (1 of 4 stars; one submission).

Conditions:
Inborn genetic diseases. Identifiers: MedGen C0950123, MeSH D030342.

gnomAD v4.1: 1 of 1,612,892 alleles (0.000062%); highest among the groups gnomAD compares: Non-Finnish European, 0.000085%; no homozygotes.

Submission:

Ambry Genetics
Classification: Uncertain significance for Inborn genetic diseases. Last evaluated: 2026-04-24. Review status: criteria provided, single submitter. Criteria: Ambry Variant Classification Scheme 2023. Collection method: clinical testing. Allele origin: germline.
Comment: The p.A1696V variant (also known as c.5087C>T), located in coding exon 34 of the ANKRD26 gene, results from a C to T substitution at nucleotide position 5087. The alanine at codon 1696 is replaced by valine, an amino acid with similar properties. This amino acid position is conserved. In addition, this alteration is predicted to be tolerated by in silico analysis. Based on the available evidence, the clinical significance of this variant remains unclear.